The following is an entry in ClinVar:

ClinVar aggregate classification (germline): Likely benign. Review status: criteria provided, single submitter (1 of 4 stars). 2 submissions from 2 submitters: Likely benign (1). 1 of the submissions does not count toward it. Last evaluated 2025-10-02.

Conditions:
MYO18B-related disorder. Also called: MYO18B-related condition.

Allele frequency attached by ClinVar (database versions not stated): gnomAD 0.00007; TOPMed 0.00007; ExAC 0.00013; ESP Exome Variant Server 0.00017.
gnomAD v4.1: 77 of 1,612,564 alleles (0.0048%); highest among the groups gnomAD compares: Admixed American, 0.0033%; 1 homozygote.

Submissions (2):

Labcorp Genetics (formerly Invitae), Labcorp
Classification: Likely benign. Last evaluated: 2025-10-02. Review status: criteria provided, single submitter. Criteria: Invitae Variant Classification Sherloc (09022015). Collection method: clinical testing. Allele origin: germline.

PreventionGenetics, part of Exact Sciences
Classification: Likely benign for MYO18B-related condition. Last evaluated: 2024-08-12. Review status: no assertion criteria provided. Collection method: clinical testing. Allele origin: germline. Not counted in ClinVar's aggregate classification.
Comment: This variant is classified as likely benign based on ACMG/AMP sequence variant interpretation guidelines (Richards et al. 2015 PMID: 25741868, with internal and published modifications).

NM_032608.7(MYO18B):c.6492C>G (p.Asp2164Glu)

Gene: MYO18B (myosin XVIIIB; plus strand). Cytogenetic location: 22q12.1.
Variant type: single nucleotide variant.
Coding change: c.6492C>G on transcript NM_032608.7 (MANE Select); coding-DNA position 6492, C replaced by G.
Protein change: p.Asp2164Glu; replaces aspartic acid 2164 with glutamic acid.
Molecular consequence: missense variant.
Genome position (GRCh38, 1-based): chr22:26,026,466, C>G. VCF-style: chr22-26026466-C-G. GRCh37 (hg19) VCF-style: chr22-26422432-C-G.
Other names: c.6495C>G, p.Asp2165Glu (NM_001318245.2); c.6492C>G (NM_032608.6); short protein forms D2164E, D2165E.
Identifiers: ClinVar variation 2418217 (VCV002418217.7), dbSNP rs200512148, ClinGen allele CA10161548.